The following is an entry in ClinVar:

ClinVar aggregate classification (germline): Likely benign. Review status: criteria provided, single submitter (1 of 4 stars). 2 submissions from 2 submitters: Likely benign (1). 1 of the submissions does not count toward it. Last evaluated 2015-02-10.

Conditions:
FMN1-related disorder. Also called: FMN1-related condition.

Allele frequency attached by ClinVar (database versions not stated): gnomAD exomes 0.00012 and 0.00036; ExAC 0.00063; ESP Exome Variant Server 0.00129; gnomAD 0.00135 and 0.00144; TOPMed 0.00158; 1000 Genomes Project 0.00200; 1000 Genomes Project 30x 0.00219.
gnomAD v4.1: 390 of 1,603,214 alleles (0.024%); highest among the groups gnomAD compares: African/African-American, 0.47%; 1 homozygote.

Submissions (2):

Eurofins Ntd Llc (ga)
Classification: Likely benign. Last evaluated: 2015-02-10. Review status: criteria provided, single submitter. Criteria: EGL Classification Definitions 2015. Collection method: clinical testing. Allele origin: germline. Observed: 1 variant allele, 1 heterozygote.

PreventionGenetics, part of Exact Sciences
Classification: Likely benign for FMN1-related condition. Last evaluated: 2019-03-29. Review status: no assertion criteria provided. Collection method: clinical testing. Allele origin: germline. Not counted in ClinVar's aggregate classification.
Comment: This variant is classified as likely benign based on ACMG/AMP sequence variant interpretation guidelines (Richards et al. 2015 PMID: 25741868, with internal and published modifications).

NM_001277313.2(FMN1):c.*1G>A

Genes: FMN1 (formin 1; minus strand), LOC126862090 (P300/CBP strongly-dependent group 1 enhancer GRCh37_chr15:33065769-33066968; plus strand). Cytogenetic location: 15q13.3.
Variant type: single nucleotide variant.
Coding change: c.*1G>A on transcript NM_001277313.2 (MANE Select); 1 bases downstream of the stop codon, G replaced by A.
Molecular consequence: 3 prime UTR variant.
Genome position (GRCh38, 1-based): chr15:32,774,309, C>T on the plus strand (G>A on the coding strand, the complement: FMN1 is on the minus strand). VCF-style: chr15-32774309-C-T. GRCh37 (hg19) VCF-style: chr15-33066510-C-T.
Other names: c.*1G>A (NM_001103184.4, NM_001103184.3).
Identifiers: ClinVar variation 194719 (VCV000194719.7), dbSNP rs114851360, ClinGen allele CA214586.
Genomic context (GRCh38, chr15:32,774,309, plus strand): 5'-ACAAAGAGTATGCGTGCAAGGTCCTCCACCTCCAGTGCCATCATTTCCATGTGTCTTCAT[C>T]TTAGTTAGTGGTCACACTGGCTTCCTTCTGACGCAGTCTTTCTTTCTGTTAAGGAAAAAA-3'